The following is an entry in ClinVar:

ClinVar aggregate classification (germline): Uncertain significance (1 of 4 stars; one submission).

Conditions:
Left ventricular noncompaction 8 (LVNC8). Identifiers: Orphanet 154, Orphanet 54260, MedGen C3809288, MONDO:0014152, OMIM 615373.

gnomAD v4.1: 6 of 1,610,986 alleles (0.00037%); highest among the groups gnomAD compares: Admixed American, 0.0083%; no homozygotes.

Submission:

Labcorp Genetics (formerly Invitae), Labcorp
Classification: Uncertain significance for Left ventricular noncompaction 8. Last evaluated: 2025-06-14. Review status: criteria provided, single submitter. Criteria: Invitae Variant Classification Sherloc (09022015). Collection method: clinical testing. Allele origin: germline.
Comment: This sequence change replaces aspartic acid, which is acidic and polar, with glycine, which is neutral and non-polar, at codon 544 of the PRDM16 protein (p.Asp544Gly). This variant is present in population databases (rs765421823, gnomAD 0.01%). This variant has not been reported in the literature in individuals affected with PRDM16-related conditions. An algorithm developed to predict the effect of missense changes on protein structure and function (PolyPhen-2) suggests that this variant is likely to be tolerated. In summary, the available evidence is currently insufficient to determine the role of this variant in disease. Therefore, it has been classified as a Variant of Uncertain Significance.

NM_022114.4(PRDM16):c.1631A>G (p.Asp544Gly)

Gene: PRDM16 (PR/SET domain 16; plus strand). Cytogenetic location: 1p36.32.
Variant type: single nucleotide variant.
Coding change: c.1631A>G on transcript NM_022114.4 (MANE Select); coding-DNA position 1631, A replaced by G.
Protein change: p.Asp544Gly; replaces aspartic acid 544 with glycine.
Molecular consequence: missense variant.
Genome position (GRCh38, 1-based): chr1:3,411,828, A>G. VCF-style: chr1-3411828-A-G. GRCh37 (hg19) VCF-style: chr1-3328392-A-G.
Other names: c.1631A>G, p.Asp544Gly (NM_199454.3); short protein forms D544G.
Identifiers: ClinVar variation 4809380 (VCV004809380.1).
Genomic context (GRCh38, chr1:3,411,828, plus strand): 5'-CCCGGCCGCCTCTGCTACCTCCCACATCGCTGCTCAAGAGCCCCCTGAACCACACCCAGG[A>G]CGCCAAGCTCCCCAGTCCCCTGGGGAACCCAGCCCTGCCCCTGGTCTCCGCCGTCAGCAA-3'
Protein context (NP_071397.3, residues 534-554): LLKSPLNHTQ[Asp544Gly]AKLPSPLGNP